The following is an entry in ClinVar:

ClinVar aggregate classification (germline): Uncertain significance (1 of 4 stars; one submission).

Conditions:
Inborn genetic diseases. Identifiers: MedGen C0950123, MeSH D030342.

Allele frequency attached by ClinVar (database versions not stated): ExAC 0.00001; gnomAD exomes 0.00001; TOPMed 0.00001.

Submission:

Ambry Genetics
Classification: Uncertain significance for Inborn genetic diseases. Last evaluated: 2024-07-11. Review status: criteria provided, single submitter. Criteria: Ambry Variant Classification Scheme 2023. Collection method: clinical testing. Allele origin: germline.
Comment: The p.A168V variant (also known as c.503C>T), located in coding exon 4 of the ATR gene, results from a C to T substitution at nucleotide position 503. The alanine at codon 168 is replaced by valine, an amino acid with similar properties. This amino acid position is conserved. In addition, this alteration is predicted to be tolerated by in silico analysis. Since supporting evidence is limited at this time, the clinical significance of this alteration remains unclear.

NM_001184.4(ATR):c.503C>T (p.Ala168Val)

Gene: ATR (ATR checkpoint kinase; minus strand). Cytogenetic location: 3q23.
Variant type: single nucleotide variant.
Coding change: c.503C>T on transcript NM_001184.4 (MANE Select); coding-DNA position 503, C replaced by T.
Protein change: p.Ala168Val; replaces alanine 168 with valine.
Molecular consequence: missense variant.
Genome position (GRCh38, 1-based): chr3:142,562,899, G>A on the plus strand (C>T on the coding strand, the complement: ATR is on the minus strand). VCF-style: chr3-142562899-G-A. GRCh37 (hg19) VCF-style: chr3-142281741-G-A.
Other names: c.503C>T, p.Ala168Val (NM_001354579.2); short protein forms A168V.
Identifiers: ClinVar variation 1744942 (VCV001744942.3), dbSNP rs746804777, ClinGen allele CA2650755.